The following is an entry in ClinVar:

ClinVar aggregate classification (germline): Benign/Likely benign. Review status: criteria provided, multiple submitters, no conflicts (2 of 4 stars). 4 submissions from 4 submitters: Benign (2); Likely benign (2). Last evaluated 2026-08-01.

Allele frequency attached by ClinVar (database versions not stated): ESP Exome Variant Server 0.00023; gnomAD 0.00041 and 0.00060; TOPMed 0.00046; gnomAD exomes 0.00106; ExAC 0.00124; 1000 Genomes Project 0.00260; 1000 Genomes Project 30x 0.00265.
gnomAD v4.1: 987 of 1,612,888 alleles (0.061%); highest among the groups gnomAD compares: South Asian, 0.61%; 4 homozygotes.

Submissions (4):

CeGaT Center for Human Genetics Tuebingen
Classification: Likely benign. Last evaluated: 2026-08-01. Review status: criteria provided, single submitter. Criteria: CeGaT Center For Human Genetics Tuebingen Variant Classification Criteria Version 2. Collection method: clinical testing. Allele origin: germline. Affected: yes. Observed: 1 variant allele.
Comment: MME: BP4, BP7

Labcorp Genetics (formerly Invitae), Labcorp
Classification: Benign. Last evaluated: 2026-01-11. Review status: criteria provided, single submitter. Criteria: Invitae Variant Classification Sherloc (09022015). Collection method: clinical testing. Allele origin: germline.

Blueprint Genetics
Classification: Likely benign. Last evaluated: 2024-11-25. Review status: criteria provided, single submitter. Criteria: ACMG Guidelines, 2015. Collection method: clinical testing. Allele origin: germline.

Mayo Clinic Laboratories, Mayo Clinic
Classification: Benign. Last evaluated: 2024-08-22. Review status: criteria provided, single submitter. Criteria: ACMG Guidelines, 2015. Collection method: clinical testing. Allele origin: germline. Observed: 2 variant alleles.
Comment: BS1, BS2

NM_007289.4(MME):c.1251G>A (p.Gly417=)

Gene: MME (membrane metalloendopeptidase; plus strand). Cytogenetic location: 3q25.2.
Variant type: single nucleotide variant.
Coding change: c.1251G>A on transcript NM_007289.4 (MANE Select); coding-DNA position 1251, G replaced by A.
Protein change: p.Gly417=; no amino-acid change (glycine 417 retained).
Molecular consequence: synonymous variant.
Genome position (GRCh38, 1-based): chr3:155,143,505, G>A. VCF-style: chr3-155143505-G-A. GRCh37 (hg19) VCF-style: chr3-154861294-G-A.
Other names: p.Gly417=; c.1251G>A, p.Gly417= (NM_000902.5, NM_001354642.2, NM_001354643.1 and 2 more transcripts); c.1251G>A (NM_007289.3).
Identifiers: ClinVar variation 723091 (VCV000723091.12), dbSNP rs138776903, ClinGen allele CA2675437.